The following is an entry in ClinVar:

ClinVar aggregate classification (germline): Uncertain significance (1 of 4 stars; one submission).

Conditions:
Propionic acidemia (PROP). Also called: GLYCINEMIA, KETOTIC; HYPERGLYCINEMIA WITH KETOACIDOSIS AND LEUKOPENIA; KETOTIC HYPERGLYCINEMIA. Identifiers: Orphanet 35, MedGen C0268579, MONDO:0011628, OMIM 606054, HP:0003571.

Allele frequency attached by ClinVar (database versions not stated): gnomAD exomes below 0.00001.
gnomAD v4.1: 1 of 1,613,148 alleles (0.000062%); highest among the groups gnomAD compares: Non-Finnish European, 0.000085%; no homozygotes.

Submission:

Labcorp Genetics (formerly Invitae), Labcorp
Classification: Uncertain significance for Propionic acidemia. Last evaluated: 2022-07-17. Review status: criteria provided, single submitter. Criteria: Invitae Variant Classification Sherloc (09022015). Collection method: clinical testing. Allele origin: germline.
Comment: This sequence change replaces aspartic acid, which is acidic and polar, with glycine, which is neutral and non-polar, at codon 196 of the PCCA protein (p.Asp196Gly). This variant is not present in population databases (gnomAD no frequency). This variant has not been reported in the literature in individuals affected with PCCA-related conditions. Algorithms developed to predict the effect of missense changes on protein structure and function are either unavailable or do not agree on the potential impact of this missense change (SIFT: "Deleterious"; PolyPhen-2: "Benign"; Align-GVGD: "Class C0"). In summary, the available evidence is currently insufficient to determine the role of this variant in disease. Therefore, it has been classified as a Variant of Uncertain Significance.

NM_000282.4(PCCA):c.587A>G (p.Asp196Gly)

Gene: PCCA (propionyl-CoA carboxylase subunit alpha; plus strand). Cytogenetic location: 13q32.3.
Variant type: single nucleotide variant.
Coding change: c.587A>G on transcript NM_000282.4 (MANE Select); coding-DNA position 587, A replaced by G.
Protein change: p.Asp196Gly; replaces aspartic acid 196 with glycine.
Molecular consequence: missense variant. On other transcripts: 5 prime UTR variant (3), non-coding transcript variant (5).
Genome position (GRCh38, 1-based): chr13:100,209,450, A>G. VCF-style: chr13-100209450-A-G. GRCh37 (hg19) VCF-style: chr13-100861704-A-G.
Other names: c.509A>G, p.Asp170Gly (NM_001127692.3, NM_001352607.2, NM_001352608.2); c.587A>G, p.Asp196Gly (NM_001178004.2, NM_001352605.2, NM_001352606.2 and 1 more transcripts); c.-280A>G (NM_001352610.2, NM_001352611.2, NM_001352612.2); short protein forms D196G, D170G.
Identifiers: ClinVar variation 1943580 (VCV001943580.2), dbSNP rs2547727045, ClinGen allele CA388693508.